The following is an entry in ClinVar:

ClinVar aggregate classification (germline): Conflicting classifications of pathogenicity. Review status: criteria provided, conflicting classifications (1 of 4 stars). 3 submissions from 3 submitters: Uncertain significance (1); Likely benign (2). Last evaluated 2025-05-24.

Conditions:
CEP78-related disorder. Also called: CEP78-related condition.

Allele frequency attached by ClinVar (database versions not stated): gnomAD 0.00008 and 0.00015; gnomAD exomes 0.00008 and 0.00032; TOPMed 0.00017; ExAC 0.00031; 1000 Genomes Project 0.00060; 1000 Genomes Project 30x 0.00062.
gnomAD v4.1: 147 of 1,613,892 alleles (0.0091%); highest among the groups gnomAD compares: East Asian, 0.21%; 1 homozygote.

Submissions (3):

PreventionGenetics, part of Exact Sciences
Classification: Likely benign for CEP78-related condition. Last evaluated: 2025-05-24. Review status: criteria provided, single submitter. Criteria: ACMG Guidelines, 2015. Collection method: clinical testing. Allele origin: germline.
Comment: This variant is classified as likely benign based on ACMG/AMP sequence variant interpretation guidelines (Richards et al. 2015 PMID: 25741868, with internal and published modifications).

Labcorp Genetics (formerly Invitae), Labcorp
Classification: Likely benign. Last evaluated: 2024-11-19. Review status: criteria provided, single submitter. Criteria: Invitae Variant Classification Sherloc (09022015). Collection method: clinical testing. Allele origin: germline.

Blueprint Genetics
Classification: Uncertain significance. Last evaluated: 2023-09-19. Review status: criteria provided, single submitter. Criteria: ACMG Guidelines, 2015. Collection method: clinical testing. Allele origin: germline.

NM_001330691.3(CEP78):c.710A>G (p.Asn237Ser)

Gene: CEP78 (centrosomal protein 78; plus strand). Cytogenetic location: 9q21.2.
Variant type: single nucleotide variant.
Coding change: c.710A>G on transcript NM_001330691.3 (MANE Select); coding-DNA position 710, A replaced by G.
Protein change: p.Asn237Ser; replaces asparagine 237 with serine.
Molecular consequence: missense variant.
Genome position (GRCh38, 1-based): chr9:78,243,568, A>G. VCF-style: chr9-78243568-A-G. GRCh37 (hg19) VCF-style: chr9-80858484-A-G.
Other names: c.710A>G, p.Asn237Ser (NM_001098802.3, NM_001330693.3, NM_001330694.2 and 4 more transcripts); c.710A>G (NM_001098802.1); short protein forms N237S.
Identifiers: ClinVar variation 1145084 (VCV001145084.11), dbSNP rs186712872, ClinGen allele CA5095003.